The following is an entry in ClinVar:

NM_000037.4(ANK1):c.2559-4G>C

Gene: ANK1 (ankyrin 1; minus strand). Cytogenetic location: 8p11.21.
Variant type: single nucleotide variant.
Coding change: c.2559-4G>C on transcript NM_000037.4 (MANE Select); 4 bases into the intron before coding-DNA position 2559, G replaced by C.
Molecular consequence: intron variant.
Genome position (GRCh38, 1-based): chr8:41,698,125, C>G on the plus strand (G>C on the coding strand, the complement: ANK1 is on the minus strand). VCF-style: chr8-41698125-C-G. GRCh37 (hg19) VCF-style: chr8-41555643-C-G.
Other names: c.2682-4G>C (NM_001142446.2); c.2559-4G>C (NM_020477.3, NM_020475.3, NM_020476.3).
Identifiers: ClinVar variation 3357395 (VCV003357395.2).
Genomic context (GRCh38, chr8:41,698,125, plus strand): 5'-ATCACCACTGTCTCAGGCATGGCACAGGGAATCCTGGGGATGGCTGGAGATTCCACCCTG[C>G]GTGCCAAGAACACCAGAACATCACAGGGCTGATCCACATGTGCACACAGCTCCTCTTCCT-3'

ClinVar aggregate classification (germline): Uncertain significance. Review status: criteria provided, single submitter (1 of 4 stars). 2 submissions from 2 submitters: Uncertain significance (1). 1 of the submissions does not count toward it. Last evaluated 2025-08-15.

Conditions:
ANK1-related disorder. Also called: ANK1-related condition.

gnomAD v4.1: 33 of 1,613,846 alleles (0.002%); highest among the groups gnomAD compares: Admixed American, 0.0067%; no homozygotes.

Submissions (2):

Labcorp Genetics (formerly Invitae), Labcorp
Classification: Uncertain significance. Last evaluated: 2025-08-15. Review status: criteria provided, single submitter. Criteria: Invitae Variant Classification Sherloc (09022015). Collection method: clinical testing. Allele origin: germline.
Comment: This sequence change falls in intron 23 of the ANK1 gene. It does not directly change the encoded amino acid sequence of the ANK1 protein. This variant is present in population databases (rs542987394, gnomAD 0.004%). This variant has not been reported in the literature in individuals affected with ANK1-related conditions. ClinVar contains an entry for this variant (Variation ID: 3357395). Algorithms developed to predict the effect of sequence changes on RNA splicing suggest that this variant may disrupt the consensus splice site. In summary, the available evidence is currently insufficient to determine the role of this variant in disease. Therefore, it has been classified as a Variant of Uncertain Significance.

PreventionGenetics, part of Exact Sciences
Classification: Likely benign for ANK1-related condition. Last evaluated: 2019-09-09. Review status: no assertion criteria provided. Collection method: clinical testing. Allele origin: germline. Not counted in ClinVar's aggregate classification.
Comment: This variant is classified as likely benign based on ACMG/AMP sequence variant interpretation guidelines (Richards et al. 2015 PMID: 25741868, with internal and published modifications).